The following is an entry in ClinVar:

ClinVar aggregate classification (germline): Uncertain significance (1 of 4 stars; one submission).

gnomAD v4.1: 1 of 1,612,912 alleles (0.000062%); highest among the groups gnomAD compares: Middle Eastern, 0.017%; no homozygotes.

Submission:

Ambry Genetics
Classification: Uncertain significance. Last evaluated: 2026-09-05. Review status: criteria provided, single submitter. Criteria: Ambry Variant Classification Scheme 2023. Collection method: clinical testing. Allele origin: germline.
Comment: The p.P367T variant (also known as c.1099C>A), located in coding exon 6 of the GFI1 gene, results from a C to A substitution at nucleotide position 1099. The proline at codon 367 is replaced by threonine, an amino acid with highly similar properties. This amino acid position is conserved. In addition, the in silico prediction for this alteration is inconclusive. Based on the available evidence, the clinical significance of this variant remains unclear.

NM_005263.5(GFI1):c.1099C>A (p.Pro367Thr)

Genes: GFI1 (growth factor independent 1 transcriptional repressor; minus strand), LOC129930930 (ATAC-STARR-seq lymphoblastoid active region 1314; plus strand). Cytogenetic location: 1p22.1.
Variant type: single nucleotide variant.
Coding change: c.1099C>A on transcript NM_005263.5 (MANE Select); coding-DNA position 1099, C replaced by A.
Protein change: p.Pro367Thr; replaces proline 367 with threonine.
Molecular consequence: missense variant.
Genome position (GRCh38, 1-based): chr1:92,476,199, G>T on the plus strand (C>A on the coding strand, the complement: GFI1 is on the minus strand). VCF-style: chr1-92476199-G-T. GRCh37 (hg19) VCF-style: chr1-92941756-G-T.
Other names: c.1099C>A, p.Pro367Thr (NM_001127215.3, NM_001127216.3); short protein forms P367T.
Identifiers: ClinVar variation 5022403 (VCV005022403.1).